The following is an entry in ClinVar:

NM_000899.5(KITLG):c.193-1G>A

Gene: KITLG (KIT ligand; minus strand). Cytogenetic location: 12q21.32.
Variant type: single nucleotide variant.
Coding change: c.193-1G>A on transcript NM_000899.5 (MANE Select); the canonical splice acceptor site of the intron before coding-DNA position 193, G replaced by A.
Molecular consequence: splice acceptor variant.
Genome position (GRCh38, 1-based): chr12:88,518,868, C>T on the plus strand (G>A on the coding strand, the complement: KITLG is on the minus strand). VCF-style: chr12-88518868-C-T. GRCh37 (hg19) VCF-style: chr12-88912645-C-T.
Other names: c.193-1G>A (NM_003994.6).
Identifiers: ClinVar variation 2762857 (VCV002762857.3), dbSNP rs2499150403, ClinGen allele CA386122772.

ClinVar aggregate classification (germline): Uncertain significance (1 of 4 stars; one submission).

Submission:

Labcorp Genetics (formerly Invitae), Labcorp
Classification: Uncertain significance. Last evaluated: 2023-11-12. Review status: criteria provided, single submitter. Criteria: Invitae Variant Classification Sherloc (09022015). Collection method: clinical testing. Allele origin: germline.
Comment: This sequence change affects an acceptor splice site in intron 3 of the KITLG gene. It is expected to disrupt RNA splicing. Variants that disrupt the donor or acceptor splice site typically lead to a loss of protein function (PMID: 16199547), however the current clinical and genetic evidence is not sufficient to establish whether loss-of-function variants in KITLG cause disease. This variant is not present in population databases (gnomAD no frequency). This variant has not been reported in the literature in individuals affected with KITLG-related conditions. Algorithms developed to predict the effect of sequence changes on RNA splicing suggest that this variant may disrupt the consensus splice site. In summary, the available evidence is currently insufficient to determine the role of this variant in disease. Therefore, it has been classified as a Variant of Uncertain Significance.

Literature cited by the submitters: PubMed 16199547.